The following is an entry in ClinVar:

ClinVar aggregate classification (germline): Uncertain significance (1 of 4 stars; one submission).

Conditions:
Ellis-van Creveld syndrome (EVC). Also called: EVC-Related Ellis-van Creveld Syndrome; EVC2-Related Ellis-van Creveld Syndrome; Chondroectodermal dysplasia; MESOECTODERMAL DYSPLASIA. Identifiers: Orphanet 289, MedGen C0013903, MONDO:0009162, OMIM 225500.
Curry-Hall syndrome (WAD). Also called: WEYERS ACRODENTAL DYSOSTOSIS. Identifiers: Orphanet 952, MedGen C0457013, MONDO:0008673, OMIM 193530.

Allele frequency attached by ClinVar (database versions not stated): gnomAD 0.00001; gnomAD exomes 0.00001; TOPMed 0.00001; ExAC 0.00002.

Submission:

Labcorp Genetics (formerly Invitae), Labcorp
Classification: Uncertain significance for Curry-Hall syndrome; Ellis-van Creveld syndrome. Last evaluated: 2022-08-16. Review status: criteria provided, single submitter. Criteria: Invitae Variant Classification Sherloc (09022015). Collection method: clinical testing. Allele origin: germline.
Comment: This sequence change replaces glutamic acid, which is acidic and polar, with lysine, which is basic and polar, at codon 690 of the EVC protein (p.Glu690Lys). The frequency data for this variant in the population databases is considered unreliable, as metrics indicate poor data quality at this position in the gnomAD database. This variant has not been reported in the literature in individuals affected with EVC-related conditions. Algorithms developed to predict the effect of missense changes on protein structure and function are either unavailable or do not agree on the potential impact of this missense change (SIFT: "Deleterious"; PolyPhen-2: "Possibly Damaging"; Align-GVGD: "Class C0"). In summary, the available evidence is currently insufficient to determine the role of this variant in disease. Therefore, it has been classified as a Variant of Uncertain Significance.

NM_153717.3(EVC):c.2068G>A (p.Glu690Lys)

Gene: EVC (EvC ciliary complex subunit 1; plus strand). Cytogenetic location: 4p16.2.
Variant type: single nucleotide variant.
Coding change: c.2068G>A on transcript NM_153717.3 (MANE Select); coding-DNA position 2068, G replaced by A.
Protein change: p.Glu690Lys; replaces glutamic acid 690 with lysine.
Molecular consequence: missense variant.
Genome position (GRCh38, 1-based): chr4:5,797,203, G>A. VCF-style: chr4-5797203-G-A. GRCh37 (hg19) VCF-style: chr4-5798930-G-A.
Other names: c.2068G>A, p.Glu690Lys (NM_001306090.2); short protein forms E690K.
Identifiers: ClinVar variation 2163870 (VCV002163870.1), dbSNP rs773983356, ClinGen allele CA2836367.
Genomic context (GRCh38, chr4:5,797,203, plus strand): 5'-CTCCTGCAGGAGCTGCGGGAACAGCGTGCACTGGAGCAGGGGTCCTCCCAGTGCCTGGAC[G>A]AGCATCAGTGGCAGCTGCTCAGGGCCCTGGTAAGACCAGCATGGTGGCCCCACCCATTCC-3'
Protein context (NP_714928.1, residues 680-700): LEQGSSQCLD[Glu690Lys]HQWQLLRALE